The following is an entry in ClinVar:

NM_001009944.3(PKD1):c.3214_3216del (p.Asn1072del)

Gene: PKD1 (polycystin 1, transient receptor potential channel interacting; minus strand). Cytogenetic location: 16p13.3.
Variant type: Deletion.
Coding change: c.3214_3216del on transcript NM_001009944.3 (MANE Select); coding-DNA positions 3214 to 3216, 3 bases deleted (AAC; older notation c.3214_3216delAAC).
Protein change: p.Asn1072del; deletes asparagine 1072.
Molecular consequence: inframe deletion.
Genome position (GRCh38, 1-based): chr16:2,112,419-2,112,421, GTT deleted on the plus strand (AAC on the coding strand, the reverse complement: PKD1 is on the minus strand); deleting any 3 consecutive bases within chr16:2,112,419-2,112,423 gives the same sequence; the c. name uses the placement nearest the transcript's 3' end. VCF-style (leftmost placement, unchanged base first): chr16-2112418-CGTT-C. GRCh37 (hg19) VCF-style: chr16-2162419-CGTT-C.
Other names: c.3214_3216del, p.Asn1072del (NM_000296.4); short protein forms N1072del.
Identifiers: ClinVar variation 3889260 (VCV003889260.2).

ClinVar aggregate classification (germline): Conflicting classifications of pathogenicity. Review status: criteria provided, conflicting classifications (1 of 4 stars). 2 submissions from 2 submitters: Uncertain significance (1); Likely benign (1). Last evaluated 2024-12-20.

Conditions:
Inborn genetic diseases. Identifiers: MedGen C0950123, MeSH D030342.

Submissions (2):

Ambry Genetics
Classification: Uncertain significance for Inborn genetic diseases. Last evaluated: 2024-12-20. Review status: criteria provided, single submitter. Criteria: Ambry Variant Classification Scheme 2023. Collection method: clinical testing. Allele origin: germline.
Comment: The c.3214_3216delAAC (p.N1072del) alteration is located in exon 14 (coding exon 14) of the PKD1 gene. This alteration consists of an in-frame deletion of 3 nucleotides between nucleotide positions c.3214 and c.3216, resulting in the deletion of 1 residue. Based on insufficient or conflicting evidence, the clinical significance of this alteration remains unclear.

Blueprint Genetics
Classification: Likely benign. Last evaluated: 2024-07-16. Review status: criteria provided, single submitter. Criteria: ACMG Guidelines, 2015. Collection method: clinical testing. Allele origin: germline.

Literature cited by the submitters: PubMed 30135240 (cited by Ambry Genetics).